The following is an entry in ClinVar:

ClinVar aggregate classification (germline): Conflicting classifications of pathogenicity. Review status: criteria provided, conflicting classifications (1 of 4 stars). 13 submissions from 13 submitters: Pathogenic (6); Likely pathogenic (4); Likely benign (1). 2 of the submissions do not count toward it. Last evaluated 2025-11-25.

Conditions:
CFTR-related disorder (CFTR-RD). Also called: CFTR-related condition; CFTR-related disorders. Identifiers: MedGen C5924204, MONDO:7770004.
Bronchiectasis with or without elevated sweat chloride 1 (BESC1). Also called: Cystic Fibrosis-Like Syndrome. Identifiers: Orphanet 60033, MedGen C2749757, MONDO:0008887, OMIM 211400.
Congenital bilateral aplasia of vas deferens from CFTR mutation (CBAVD). Identifiers: Orphanet 48, MedGen C0403814, MONDO:0010178, OMIM 277180. Disease mechanism: loss of function.
Cystic fibrosis (CF). Also called: MUCOVISCIDOSIS. Identifiers: Orphanet 586, MedGen C0010674, MONDO:0009061, OMIM 219700. Disease mechanism: loss of function.
Hereditary pancreatitis (PCTT). Also called: PRSS1-Related Hereditary Pancreatitis; Hereditary chronic pancreatitis. Identifiers: Orphanet 676, MedGen C0238339, MONDO:0008185, OMIM 167800.

Allele frequency attached by ClinVar (database versions not stated): ExAC 0.00001; gnomAD exomes below 0.00001 and 0.00001.
gnomAD v4.1: 6 of 1,612,494 alleles (0.00037%); highest among the groups gnomAD compares: South Asian, 0.0033%; no homozygotes.

Submissions (13):

Natera, Inc.
Classification: Likely pathogenic for CFTR-related disorders. Last evaluated: 2025-11-25. Review status: criteria provided, single submitter. Criteria: Natera Variant Classification Schema (03/2026). Collection method: clinical testing. Allele origin: germline.
Comment: The c.1517T>C variant in CFTR is a missense variant predicted to cause substitution of isoleucine to threonine at amino acid 506. This variant is rare in the general population with a frequency below the threshold expected for the associated phenotype(s). This variant has been observed in one or more individuals affected with the associated recessive disease, as either homozygous or compound heterozygous with a second variant (PMID: 30548586, 28603918, 27067634). Functional studies show that this variant may disrupt protein function (PMID: 38388235). Computational prediction algorithms indicate this variant is likely to affect gene or protein function. Given the available evidence, this variant is classified as Likely Pathogenic.

Labcorp Genetics (formerly Invitae), Labcorp
Classification: Pathogenic for Cystic fibrosis. Last evaluated: 2025-10-09. Review status: criteria provided, single submitter. Criteria: Invitae Variant Classification Sherloc (09022015). Collection method: clinical testing. Allele origin: germline.
Comment: This sequence change replaces isoleucine, which is neutral and non-polar, with threonine, which is neutral and polar, at codon 506 of the CFTR protein (p.Ile506Thr). This variant is present in population databases (rs397508224, gnomAD 0.003%). This missense change has been observed in individual(s) with clinical features of cystic fibrosis (PMID: 10798368, 10923036, 15698946, 16436643, 16963320, 21184098, 30548586; internal data). In at least one individual the data is consistent with being in trans (on the opposite chromosome) from a pathogenic variant. This variant is also known as c.1649T>C. ClinVar contains an entry for this variant (Variation ID: 53276). Invitae Evidence Modeling of protein sequence and biophysical properties (such as structural, functional, and spatial information, amino acid conservation, physicochemical variation, residue mobility, and thermodynamic stability) indicates that this missense variant is expected to disrupt CFTR protein function with a positive predictive value of 80%. This variant disrupts the p.Ile506 amino acid residue in CFTR. Other variant(s) that disrupt this residue have been determined to be pathogenic (internal data). This suggests that this residue is clinically significant, and that variants that disrupt this residue are likely to be disease-causing. For these reasons, this variant has been classified as Pathogenic.

Women's Health and Genetics/Laboratory Corporation of America, LabCorp
Classification: Pathogenic for Cystic fibrosis. Last evaluated: 2025-01-27. Review status: criteria provided, single submitter. Criteria: LabCorp Variant Classification Summary - May 2015. Collection method: clinical testing. Allele origin: germline.
Comment: Variant summary: CFTR c.1517T>C (p.Ile506Thr) results in a non-conservative amino acid change located in the first ATP-binding domain (IPR003439) of the encoded protein sequence. Four of four in-silico tools predict a damaging effect of the variant on protein function. The variant allele was found at a frequency of 8e-06 in 251270 control chromosomes. c.1517T>C (aka. c.1649T>C) has been reported in the literature in multiple compound heterozygous and homozygous individuals affected with Cystic Fibrosis (des Georges_2004, de Becdelievre_2011, Elahi_2006, Petrova_2019, and in the databases of Sickkids, CFTR-France, and UMD). The variant has also been detected in populations of individuals with cystic fibrosis, but without providing genotype details (Orozco_2000). These data indicate that the variant is very likely to be associated with disease. A different variant affecting the same codon has been classified as pathogenic by our lab (c.1516A>C, p.Ile506Leu), supporting the critical relevance of codon 506 to CFTR protein function. To our knowledge, no experimental evidence demonstrating an impact on protein function has been reported. The following publications have been ascertained in the context of this evaluation (PMID: 21184098, 15698946, 16436643, 30548586, 11484207). ClinVar contains an entry for this variant (Variation ID: 53276). Based on the evidence outlined above, the variant was classified as pathogenic.

Fulgent Genetics
Classification: Pathogenic for Hereditary pancreatitis; Bronchiectasis with or without elevated sweat chloride 1; Cystic fibrosis; Congenital bilateral aplasia of vas deferens from CFTR mutation. Last evaluated: 2024-03-23. Review status: criteria provided, single submitter. Criteria: ACMG Guidelines, 2015. Collection method: clinical testing. Allele origin: germline.

Institute of Human Genetics, University of Leipzig Medical Center
Classification: Pathogenic for Cystic fibrosis. Last evaluated: 2022-09-05. Review status: criteria provided, single submitter. Criteria: ACMG Guidelines, 2015. Collection method: curation. Allele origin: unknown. Affected: yes. Observed: 4 variant alleles.
Comment: This variant was identified in 4 unrelated patients with a clinically confirmed diagnosis of cystic fibrosis. The variant was classified in the context of a project re-classifying variants in the German Cystic Fibrosis Registry (Muko.e.V.). Criteria applied: PM1, PM3, PM5_STR, PM2_SUP, PP3, PP4

Genome-Nilou Lab
Classification: Likely benign for Cystic fibrosis. Last evaluated: 2021-07-22. Review status: criteria provided, single submitter. Criteria: ACMG Guidelines, 2015. Collection method: clinical testing. Allele origin: germline. Affected: no.

Johns Hopkins Genomics, Johns Hopkins University
Classification: Likely pathogenic for Cystic fibrosis. Last evaluated: 2021-04-29. Review status: criteria provided, single submitter. Criteria: ACMG Guidelines, 2015. Collection method: clinical testing. Allele origin: germline.

Eurofins Ntd Llc (ga)
Classification: Likely pathogenic. Last evaluated: 2018-07-30. Review status: criteria provided, single submitter. Criteria: EGL ClinVar v180209 classification definitions. Collection method: clinical testing. Allele origin: germline. Observed: 1 variant allele, 1 heterozygote.

CFTR-France
Classification: Pathogenic for cystic fibrosis. Last evaluated: 2018-01-29. Review status: criteria provided, single submitter. Criteria: Claustres M et al. (Hum Mutat 2017). Collection method: curation. Allele origin: germline. Affected: yes.

Ambry Genetics
Classification: Likely pathogenic for Cystic fibrosis. Last evaluated: 2016-05-04. Review status: criteria provided, single submitter. Criteria: Ambry Variant Classification Scheme 2023. Collection method: clinical testing. Allele origin: germline.
Comment: The p.I506T variant (also known as c.1517T>C), located in coding exon 11 of the CFTR gene, results from a T to C substitution at nucleotide position 1517. The isoleucine at codon 506 is replaced by threonine, an amino acid with similar properties. This variant was detected in two cystic fibrosis chromosomes in a Mexican population (Orozco L et al. Hum. Genet. 2000; 106:360-5). This variant has also been further detected with low frequency in various populations of individuals with cystic fibrosis (Girardet A et al. Clin. Genet. 2007; 72:374-7 and Claustres M et al. Hum. Mutat. 2000; 16:143-56). This variant was not reported in population based cohorts in the following databases: Database of Single Nucleotide Polymorphisms (dbSNP), NHLBI Exome Sequencing Project (ESP), and 1000 Genomes Project. This amino acid position is highly conserved in available vertebrate species. In addition, this alteration is predicted to be probably damaging and deleterious by PolyPhen and SIFT in silico analyses, respectively. Based on the majority of available evidence to date, this variant is likely to be pathogenic.

Clinical Genetics and Genomics, Karolinska University Hospital
Classification: Pathogenic. Last evaluated: 2015-05-29. Review status: criteria provided, single submitter. Criteria: ACMG Guidelines, 2015. Collection method: clinical testing. Allele origin: germline. Affected: yes. Observed: 1 variant allele.

Molecular Genetics Laboratory, BC Children's and BC Women's Hospitals
Classification: Likely pathogenic for Cystic fibrosis. Last evaluated: 2022-10-18. Review status: no assertion criteria provided. Criteria: ACMG Guidelines, 2015. Collection method: clinical testing. Allele origin: germline. Affected: yes. Not counted in ClinVar's aggregate classification.

Counsyl
Classification: Uncertain significance for Cystic fibrosis. Last evaluated: 2018-03-26. Review status: no assertion criteria provided. Collection method: clinical testing. Allele origin: unknown. Not counted in ClinVar's aggregate classification.

Literature cited by the submitters: PubMed 30548586 (cited by 3 submitters); PubMed 28603918 (cited by Natera, Inc.); PubMed 27067634 (cited by Natera, Inc.); PubMed 38388235 (cited by Natera, Inc.); PubMed 10798368 (cited by 3 submitters); PubMed 10923036 (cited by Labcorp Genetics (formerly Invitae), Labcorp and Ambry Genetics); PubMed 15698946 (cited by 3 submitters); PubMed 16436643 (cited by 4 submitters); PubMed 16963320 (cited by Labcorp Genetics (formerly Invitae), Labcorp); PubMed 21184098 (cited by 3 submitters); PubMed 11484207 (cited by Women's Health and Genetics/Laboratory Corporation of America, LabCorp); PubMed 17850636 (cited by Ambry Genetics); PubMed 20059485 (cited by Counsyl).

NM_000492.4(CFTR):c.1517T>C (p.Ile506Thr)

Genes: CFTR (CF transmembrane conductance regulator; plus strand), CFTR-AS1 (CFTR antisense RNA 1; minus strand). Cytogenetic location: 7q31.2.
Variant type: single nucleotide variant.
Coding change: c.1517T>C on transcript NM_000492.4 (MANE Select); coding-DNA position 1517, T replaced by C.
Protein change: p.Ile506Thr; replaces isoleucine 506 with threonine.
Molecular consequence: missense variant.
Genome position (GRCh38, 1-based): chr7:117,559,588, T>C. VCF-style: chr7-117559588-T-C. GRCh37 (hg19) VCF-style: chr7-117199642-T-C.
Other names: short protein forms I506T.
Identifiers: ClinVar variation 53276 (VCV000053276.25), dbSNP rs397508224, ClinGen allele CA326521.